The following is an entry in ClinVar:

NM_001903.5(CTNNA1):c.1875C>G (p.Ile625Met)

Gene: CTNNA1 (catenin alpha 1; plus strand). Cytogenetic location: 5q31.2.
Variant type: single nucleotide variant.
Coding change: c.1875C>G on transcript NM_001903.5 (MANE Select); coding-DNA position 1875, C replaced by G.
Protein change: p.Ile625Met; replaces isoleucine 625 with methionine.
Molecular consequence: missense variant.
Genome position (GRCh38, 1-based): chr5:138,925,383, C>G. VCF-style: chr5-138925383-C-G. GRCh37 (hg19) VCF-style: chr5-138261072-C-G.
Other names: c.765C>G, p.Ile255Met (NM_001323988.1, NM_001323989.1, NM_001323990.1 and 17 more transcripts); c.1875C>G, p.Ile625Met (NM_001290307.3, NM_001323982.2, NM_001323983.1 and 2 more transcripts); c.1566C>G, p.Ile522Met (NM_001290309.3); c.1506C>G, p.Ile502Met (NM_001290310.3); c.1782C>G, p.Ile594Met (NM_001323986.2); c.426C>G, p.Ile142Met (NM_001324006.1, NM_001324007.1, NM_001324008.1 and 2 more transcripts); c.672C>G, p.Ile224Met (NM_001324011.1); c.522C>G, p.Ile174Met (NM_001324012.1, NM_001324013.1); short protein forms I224M, I502M, I625M, I142M, I522M, I174M, I255M, I594M.
Identifiers: ClinVar variation 1356584 (VCV001356584.8), dbSNP rs2150295733, ClinGen allele CA361132397.
Genomic context (GRCh38, chr5:138,925,383, plus strand): 5'-CATGGATGAGAATGAGTTTATCGATGCTTCCCGCCTGGTATATGATGGCATCCGGGACAT[C>G]AGGAAAGCAGTGCTGATGATAAGGGTGAGTAACTGCATTTCAGACGTCTTAACAGCTTCT-3'
Protein context (NP_001894.2, residues 615-635): SRLVYDGIRD[Ile625Met]RKAVLMIRTP

ClinVar aggregate classification (germline): Uncertain significance (1 of 4 stars; one submission).

gnomAD v4.1: 2 of 1,614,164 alleles (0.00012%); highest among the groups gnomAD compares: Non-Finnish European, 0.00017%; no homozygotes.

Submission:

Labcorp Genetics (formerly Invitae), Labcorp
Classification: Uncertain significance. Last evaluated: 2021-05-27. Review status: criteria provided, single submitter. Criteria: Invitae Variant Classification Sherloc (09022015). Collection method: clinical testing. Allele origin: germline.
Comment: In summary, the available evidence is currently insufficient to determine the role of this variant in disease. Therefore, it has been classified as a Variant of Uncertain Significance. Algorithms developed to predict the effect of missense changes on protein structure and function are either unavailable or do not agree on the potential impact of this missense change (SIFT: "Tolerated"; PolyPhen-2: "Possibly Damaging"; Align-GVGD: "Class C0"). This variant has not been reported in the literature in individuals with CTNNA1-related conditions. This variant is not present in population databases (ExAC no frequency). This sequence change replaces isoleucine with methionine at codon 625 of the CTNNA1 protein (p.Ile625Met). The isoleucine residue is highly conserved and there is a small physicochemical difference between isoleucine and methionine.